The following is an entry in ClinVar:

NM_006129.5(BMP1):c.310C>T (p.Pro104Ser)

Gene: BMP1 (bone morphogenetic protein 1; plus strand). Cytogenetic location: 8p21.3.
Variant type: single nucleotide variant.
Coding change: c.310C>T on transcript NM_006129.5 (MANE Select); coding-DNA position 310, C replaced by T.
Protein change: p.Pro104Ser; replaces proline 104 with serine.
Molecular consequence: missense variant. On other transcripts: non-coding transcript variant (2).
Genome position (GRCh38, 1-based): chr8:22,176,190, C>T. VCF-style: chr8-22176190-C-T. GRCh37 (hg19) VCF-style: chr8-22033703-C-T.
Other names: c.310C>T, p.Pro104Ser (NM_001199.4); short protein forms P104S.
Identifiers: ClinVar variation 1327763 (VCV001327763.11), dbSNP rs147403315, ClinGen allele CA4664224.

ClinVar aggregate classification (germline): Uncertain significance. Review status: criteria provided, multiple submitters, no conflicts (2 of 4 stars). 4 submissions from 4 submitters: Uncertain significance (4). Last evaluated 2025-03-28.

Conditions:
Inborn genetic diseases. Identifiers: MedGen C0950123, MeSH D030342.

Allele frequency attached by ClinVar (database versions not stated): 1000 Genomes Project 0.00040; ESP Exome Variant Server 0.00023; 1000 Genomes Project 30x 0.00031; gnomAD exomes 0.00003 and 0.00006; gnomAD 0.00022; ExAC 0.00005; TOPMed 0.00016.
gnomAD v4.1: 71 of 1,614,136 alleles (0.0044%); highest among the groups gnomAD compares: African/African-American, 0.067%; no homozygotes.

Submissions (4):

Ambry Genetics
Classification: Uncertain significance for Inborn genetic diseases. Last evaluated: 2025-03-28. Review status: criteria provided, single submitter. Criteria: Ambry Variant Classification Scheme 2023. Collection method: clinical testing. Allele origin: germline.

GeneDx
Classification: Uncertain significance. Last evaluated: 2023-10-03. Review status: criteria provided, single submitter. Criteria: GeneDx Variant Classification Process June 2021. Collection method: clinical testing. Allele origin: germline. Affected: yes.
Comment: In silico analysis supports that this missense variant does not alter protein structure/function; Has not been previously published as pathogenic or benign to our knowledge

Labcorp Genetics (formerly Invitae), Labcorp
Classification: Uncertain significance. Last evaluated: 2022-07-12. Review status: criteria provided, single submitter. Criteria: Invitae Variant Classification Sherloc (09022015). Collection method: clinical testing. Allele origin: germline.
Comment: This sequence change replaces proline, which is neutral and non-polar, with serine, which is neutral and polar, at codon 104 of the BMP1 protein (p.Pro104Ser). This variant is present in population databases (rs147403315, gnomAD 0.07%). This variant has not been reported in the literature in individuals affected with BMP1-related conditions. ClinVar contains an entry for this variant (Variation ID: 1327763). Algorithms developed to predict the effect of missense changes on protein structure and function (SIFT, PolyPhen-2, Align-GVGD) all suggest that this variant is likely to be tolerated. In summary, the available evidence is currently insufficient to determine the role of this variant in disease. Therefore, it has been classified as a Variant of Uncertain Significance.

Breakthrough Genomics
Classification: Uncertain significance. Review status: criteria provided, single submitter. Criteria: ACMG Guidelines, 2015. Collection method: not provided. Allele origin: germline. Inheritance: Autosomal recessive inheritance. Affected: yes.